The following is an entry in ClinVar:

ClinVar aggregate classification (germline): Uncertain significance. Review status: criteria provided, multiple submitters, no conflicts (2 of 4 stars). 3 submissions from 3 submitters: Uncertain significance (3). Last evaluated 2026-05-20.

Conditions:
Inborn genetic diseases. Identifiers: MedGen C0950123, MeSH D030342.

Submissions (3):

Ambry Genetics
Classification: Uncertain significance for Inborn genetic diseases. Last evaluated: 2026-05-20. Review status: criteria provided, single submitter. Criteria: Ambry Variant Classification Scheme 2023. Collection method: clinical testing. Allele origin: germline.

Dasa
Classification: Uncertain significance. Last evaluated: 2026-03-29. Review status: criteria provided, single submitter. Criteria: DASA Assertion Criteria. Collection method: clinical testing. Allele origin: germline.
Comment: NM_001005273.3(CHD3):c.5563A>C (p.Lys1855Gln) is a missense variant that results in the substitution of lysine with glutamine. The affected residue or protein region has prior evidence supporting clinical relevance. This variant is rare in population databases. Computational prediction algorithms are consistent with a deleterious effect. The currently available literature and clinical evidence are not sufficient to establish a definitive association between this variant and the reported condition. Therefore, this variant is classified as a variant of uncertain significance.

GeneDx
Classification: Uncertain significance. Last evaluated: 2026-02-12. Review status: criteria provided, single submitter. Criteria: GeneDx Variant Classification Process June 2021. Collection method: clinical testing. Allele origin: germline.
Comment: Not observed at significant frequency in large population cohorts (gnomAD); In silico analysis supports that this missense variant has a deleterious effect on protein structure/function; Has not been previously published as pathogenic or benign to our knowledge

NM_001005273.3(CHD3):c.5563A>C (p.Lys1855Gln)

Gene: CHD3 (chromodomain helicase DNA binding protein 3; plus strand). Cytogenetic location: 17p13.1.
Variant type: single nucleotide variant.
Coding change: c.5563A>C on transcript NM_001005273.3 (MANE Select); coding-DNA position 5563, A replaced by C.
Protein change: p.Lys1855Gln; replaces lysine 1855 with glutamine.
Molecular consequence: missense variant.
Genome position (GRCh38, 1-based): chr17:7,909,311, A>C. VCF-style: chr17-7909311-A-C. GRCh37 (hg19) VCF-style: chr17-7812629-A-C.
Other names: c.5740A>C, p.Lys1914Gln (NM_001005271.3, NM_001437504.1); c.5728A>C, p.Lys1910Gln (NM_001437507.1); c.5626A>C, p.Lys1876Gln (NM_001437508.1); c.5731A>C, p.Lys1911Gln (NM_001437509.1); c.5461A>C, p.Lys1821Gln (NM_005852.4); short protein forms K1821Q, K1855Q, K1876Q, K1910Q, K1911Q, K1914Q.
Identifiers: ClinVar variation 4868877 (VCV004868877.4).